The following is an entry in ClinVar:

NM_001429.4(EP300):c.5678C>T (p.Ala1893Val)

Gene: EP300 (EP300 lysine acetyltransferase; plus strand). Cytogenetic location: 22q13.2.
Variant type: single nucleotide variant.
Coding change: c.5678C>T on transcript NM_001429.4 (MANE Select); coding-DNA position 5678, C replaced by T.
Protein change: p.Ala1893Val; replaces alanine 1893 with valine.
Molecular consequence: missense variant.
Genome position (GRCh38, 1-based): chr22:41,177,389, C>T. VCF-style: chr22-41177389-C-T. GRCh37 (hg19) VCF-style: chr22-41573393-C-T.
Other names: c.5600C>T, p.Ala1867Val (NM_001362843.2); short protein forms A1867V, A1893V.
Identifiers: ClinVar variation 2029453 (VCV002029453.4), dbSNP rs2145517071, ClinGen allele CA411709585.

ClinVar aggregate classification (germline): Uncertain significance (1 of 4 stars; one submission).

Conditions:
Rubinstein-Taybi syndrome due to EP300 haploinsufficiency. Also called: EP300-Related Rubinstein-Taybi Syndrome; RUBINSTEIN-TAYBI SYNDROME 2. Identifiers: Orphanet 353284, Orphanet 783, MedGen C3150941, MONDO:0013364, OMIM 613684.

Submission:

Labcorp Genetics (formerly Invitae), Labcorp
Classification: Uncertain significance for Rubinstein-Taybi syndrome due to EP300 haploinsufficiency. Last evaluated: 2024-02-24. Review status: criteria provided, single submitter. Criteria: Invitae Variant Classification Sherloc (09022015). Collection method: clinical testing. Allele origin: germline.
Comment: This sequence change replaces alanine, which is neutral and non-polar, with valine, which is neutral and non-polar, at codon 1893 of the EP300 protein (p.Ala1893Val). This variant is not present in population databases (gnomAD no frequency). This variant has not been reported in the literature in individuals affected with EP300-related conditions. ClinVar contains an entry for this variant (Variation ID: 2029453). Advanced modeling of protein sequence and biophysical properties (such as structural, functional, and spatial information, amino acid conservation, physicochemical variation, residue mobility, and thermodynamic stability) performed at Invitae indicates that this missense variant is not expected to disrupt EP300 protein function with a negative predictive value of 80%. In summary, the available evidence is currently insufficient to determine the role of this variant in disease. Therefore, it has been classified as a Variant of Uncertain Significance.